The following is an entry in ClinVar:

ClinVar aggregate classification (germline): Benign (1 of 4 stars; one submission).

Allele frequency attached by ClinVar (database versions not stated): 1000 Genomes Project 30x 0.85087; 1000 Genomes Project 0.86082; ESP Exome Variant Server 0.86383; TOPMed 0.86605; gnomAD exomes 0.97812.

Submission:

Unidad de Genómica Garrahan, Hospital de Pediatría Garrahan
Classification: Benign. Last evaluated: 2024-01-24. Review status: criteria provided, single submitter. Criteria: ACMG Guidelines, 2015. Collection method: clinical testing. Allele origin: germline. Affected: no. Observed: 95 variant alleles.
Comment: This variant is classified as Benign based on local population frequency. This variant was detected in 100% of patients studied by a panel of primary immunodeficiencies. Number of patients: 95. Only high quality variants are reported.

NM_017553.3(INO80):c.2274+35A>G

Gene: INO80 (INO80 complex ATPase subunit; minus strand). Cytogenetic location: 15q15.1.
Variant type: single nucleotide variant.
Coding change: c.2274+35A>G on transcript NM_017553.3 (MANE Select); 35 bases into the intron after coding-DNA position 2274, A replaced by G.
Molecular consequence: intron variant.
Genome position (GRCh38, 1-based): chr15:41,053,894, T>C on the plus strand (A>G on the coding strand, the complement: INO80 is on the minus strand). VCF-style: chr15-41053894-T-C. GRCh37 (hg19) VCF-style: chr15-41346092-T-C.
Identifiers: ClinVar variation 2687940 (VCV002687940.2), dbSNP rs2899010, ClinGen allele CA7489081.
Genomic context (GRCh38, chr15:41,053,894, plus strand): 5'-AAACTTCAACTAAACATATATCAATAAATTTCTCCCCCTGGAATCTTAAGTTGGTGCCTA[T>C]TGAGGCTTAAACACATGAGGTCTTCTTTACTTACCTTGTCAGATAATTCATTTTCCACAT-3'